The following is an entry in ClinVar:

NM_000531.6(OTC):c.77+1G>T

Gene: OTC (ornithine transcarbamylase; plus strand). Cytogenetic location: Xp11.4.
Variant type: single nucleotide variant.
Coding change: c.77+1G>T on transcript NM_000531.6 (MANE Select); the canonical splice donor site of the intron after coding-DNA position 77, G replaced by T.
Molecular consequence: splice donor variant.
Genome position (GRCh38, 1-based): chrX:38,352,774, G>T. VCF-style: chrX-38352774-G-T. GRCh37 (hg19) VCF-style: chrX-38212027-G-T.
Other names: c.77+1G>T (NM_001407092.1).
Identifiers: ClinVar variation 97314 (VCV000097314.2), dbSNP rs67077695, ClinGen allele CA224774.
Genomic context (GRCh38, chrX:38,352,774, plus strand): 5'-GATCCTGTTAAACAATGCAGCTTTTAGAAATGGTCACAACTTCATGGTTCGAAATTTTCG[G>T]TAAGTGATGGTCAGAGACTTGGGTTTGATTTAGGAATCATGGTGATGCATAAAACTATAT-3'

ClinVar aggregate classification (germline): Pathogenic (0 of 4 stars; one submission).

Submission:

GenMed Metabolism Lab
Classification: Pathogenic. Review status: no assertion criteria provided. Collection method: not provided. Allele origin: unknown.
ClinVar note: Converted during submission from pathogenic to Pathogenic.